The following is an entry in ClinVar:

ClinVar aggregate classification (germline): Pathogenic (1 of 4 stars; one submission).

Conditions:
Joubert syndrome. Also called: CEREBELLOPARENCHYMAL DISORDER IV; JOUBERT-BOLTSHAUSER SYNDROME; Familial aplasia of the vermis. Identifiers: Orphanet 475, MedGen C5979921, MONDO:0018772.
Meckel-Gruber syndrome. Also called: DYSENCEPHALIA SPLANCHNOCYSTICA; GRUBER SYNDROME; Dysencephalia splachnocystica. Identifiers: Orphanet 564, MedGen C0265215, MONDO:0018921.

Allele frequency attached by ClinVar (database versions not stated): gnomAD exomes below 0.00001.
gnomAD v4.1: 1 of 1,612,252 alleles (0.000062%); highest among the groups gnomAD compares: Non-Finnish European, 0.000085%; no homozygotes.

Submission:

Labcorp Genetics (formerly Invitae), Labcorp
Classification: Pathogenic for Joubert syndrome; Meckel-Gruber syndrome. Last evaluated: 2023-04-09. Review status: criteria provided, single submitter. Criteria: Invitae Variant Classification Sherloc (09022015). Collection method: clinical testing. Allele origin: germline.
Comment: This variant has not been reported in the literature in individuals affected with RPGRIP1L-related conditions. Algorithms developed to predict the effect of sequence changes on RNA splicing suggest that this variant may disrupt the consensus splice site. For these reasons, this variant has been classified as Pathogenic. This variant is not present in population databases (gnomAD no frequency). This sequence change creates a premature translational stop signal (p.Glu405*) in the RPGRIP1L gene. It is expected to result in an absent or disrupted protein product. Loss-of-function variants in RPGRIP1L are known to be pathogenic (PMID: 17558409).

Literature cited by the submitters: PubMed 17558409.

NM_015272.5(RPGRIP1L):c.1213G>T (p.Glu405Ter)

Gene: RPGRIP1L (RPGRIP1 like; minus strand). Cytogenetic location: 16q12.2.
Variant type: single nucleotide variant.
Coding change: c.1213G>T on transcript NM_015272.5 (MANE Select); coding-DNA position 1213, G replaced by T.
Protein change: p.Glu405Ter; replaces glutamic acid 405 with a stop codon.
Molecular consequence: nonsense.
Genome position (GRCh38, 1-based): chr16:53,664,900, C>A on the plus strand (G>T on the coding strand, the complement: RPGRIP1L is on the minus strand). VCF-style: chr16-53664900-C-A. GRCh37 (hg19) VCF-style: chr16-53698812-C-A.
Other names: c.1213G>T, p.Glu405Ter (NM_001127897.4, NM_001308334.3, NM_001330538.2); short protein forms E405*.
Identifiers: ClinVar variation 2938428 (VCV002938428.3), dbSNP rs747612183, ClinGen allele CA281351131.